The following is an entry in ClinVar:

NM_017636.4(TRPM4):c.3532_3534+6del

Gene: TRPM4 (transient receptor potential cation channel subfamily M member 4; plus strand). Cytogenetic location: 19q13.33.
Variant type: Deletion.
Coding change: c.3532_3534+6del on transcript NM_017636.4 (MANE Select); coding-DNA position 3532 through 6 bases into the intron after coding-DNA position 3534, 9 bases deleted (GAGGTGAGG; older notation c.3532_3534+6delGAGGTGAGG).
Molecular consequence: splice donor variant.
Genome position (GRCh38, 1-based): chr19:49,211,085-49,211,093, GAGGTGAGG deleted; deleting any 9 consecutive bases within chr19:49,211,083-49,211,093 gives the same sequence; the c. name uses the placement nearest the transcript's 3' end. VCF-style (leftmost placement, unchanged base first): chr19-49211082-CGGGAGGTGA-C. GRCh37 (hg19) VCF-style: chr19-49714339-CGGGAGGTGA-C.
Other names: c.3097_3099+6del (NM_001195227.2); c.1924_1926+6del (NM_001321282.2); c.3187_3189+6del (NM_001321281.2); c.3010_3012+6del (NM_001321283.2); c.2470_2472+6del (NM_001321285.2).
Identifiers: ClinVar variation 4706323 (VCV004706323.1).
Genomic context (GRCh38, chr19:49,211,082, plus strand): 5'-TTGGCACTGAAACAGCTGGGACACATCCGCGAGTACGAACAGCGCCTGAAAGTGCTGGAG[CGGGAGGTGA>C]GGCCTTGGGGCCTGGCTGGGGGACTGTGGCAGGGGTCCCATCTCCCGCTCTGACATTCCT-3'

ClinVar aggregate classification (germline): Uncertain significance (1 of 4 stars; one submission).

Conditions:
Progressive familial heart block type IB (PFHB1B). Identifiers: Orphanet 871, MedGen C1970298, MONDO:0011474, OMIM 604559.

Submission:

Labcorp Genetics (formerly Invitae), Labcorp
Classification: Uncertain significance for Progressive familial heart block type IB. Last evaluated: 2025-09-04. Review status: criteria provided, single submitter. Criteria: Invitae Variant Classification Sherloc (09022015). Collection method: clinical testing. Allele origin: germline.
Comment: This variant results in the deletion of part of exon 23 (c.3532_3534+6del) of the TRPM4 gene. It is expected to disrupt RNA splicing. Variants that disrupt the donor or acceptor splice site typically lead to a loss of protein function (PMID: 16199547), however the current clinical and genetic evidence is not sufficient to establish whether loss-of-function variants in TRPM4 cause disease. This variant is not present in population databases (gnomAD no frequency). This variant has not been reported in the literature in individuals affected with TRPM4-related conditions. In summary, the available evidence is currently insufficient to determine the role of this variant in disease. Therefore, it has been classified as a Variant of Uncertain Significance.

Literature cited by the submitters: PubMed 16199547.